The following is an entry in ClinVar:

NM_002691.4(POLD1):c.41C>T (p.Pro14Leu)

Gene: POLD1 (DNA polymerase delta 1, catalytic subunit; plus strand). Cytogenetic location: 19q13.33.
Variant type: single nucleotide variant.
Coding change: c.41C>T on transcript NM_002691.4 (MANE Select); coding-DNA position 41, C replaced by T.
Protein change: p.Pro14Leu; replaces proline 14 with leucine.
Molecular consequence: missense variant. On other transcripts: non-coding transcript variant (1).
Genome position (GRCh38, 1-based): chr19:50,398,892, C>T. VCF-style: chr19-50398892-C-T. GRCh37 (hg19) VCF-style: chr19-50902149-C-T.
Other names: c.41C>T, p.Pro14Leu (NM_001256849.1, NM_001308632.1, NM_001438210.1 and 3 more transcripts); short protein forms P14L.
Identifiers: ClinVar variation 4862181 (VCV004862181.1).
Genomic context (GRCh38, chr19:50,398,892, plus strand): 5'-GCTCCAACTTGCCCAGCAGGATGGATGGCAAGCGGCGGCCAGGCCCAGGGCCCGGGGTGC[C>T]CCCAAAGCGGGCCCGTGGGGGCCTCTGGGATGATGATGATGCACCTCGGCCATCCCAATT-3'
Protein context (NP_002682.2, residues 4-24): KRRPGPGPGV[Pro14Leu]PKRARGGLWD

ClinVar aggregate classification (germline): Uncertain significance (1 of 4 stars; one submission).

Conditions:
Hereditary cancer-predisposing syndrome. Also called: Neoplastic Syndromes, Hereditary; Tumor predisposition; Hereditary Cancer Syndrome; Hereditary neoplastic syndrome. Identifiers: Orphanet 140162, MedGen C0027672, MeSH D009386, MONDO:0015356.

Submission:

Ambry Genetics
Classification: Uncertain significance for Hereditary cancer-predisposing syndrome. Last evaluated: 2026-04-20. Review status: criteria provided, single submitter. Criteria: Ambry Variant Classification Scheme 2023. Collection method: clinical testing. Allele origin: germline.
Comment: The p.P14L variant (also known as c.41C>T), located in coding exon 1 of the POLD1 gene, results from a C to T substitution at nucleotide position 41. The proline at codon 14 is replaced by leucine, an amino acid with similar properties. This amino acid position is conserved. In addition, this alteration is predicted to be tolerated by in silico analysis. Based on the available evidence, the clinical significance of this variant remains unclear.